The following is an entry in ClinVar:

ClinVar aggregate classification (germline): Uncertain significance (1 of 4 stars; one submission).

Submission:

Labcorp Genetics (formerly Invitae), Labcorp
Classification: Uncertain significance. Last evaluated: 2020-06-24. Review status: criteria provided, single submitter. Criteria: Invitae Variant Classification Sherloc (09022015). Collection method: clinical testing. Allele origin: germline.
Comment: In summary, the available evidence is currently insufficient to determine the role of this variant in disease. Therefore, it has been classified as a Variant of Uncertain Significance. Algorithms developed to predict the effect of missense changes on protein structure and function output the following: SIFT: "Not Available"; PolyPhen-2: "Not Available"; Align-GVGD: "Not Available". The threonine amino acid residue is found in multiple mammalian species, suggesting that this missense change does not adversely affect protein function. These predictions have not been confirmed by published functional studies and their clinical significance is uncertain. This variant has not been reported in the literature in individuals with MAGEL2-related conditions. This variant is not present in population databases (ExAC no frequency). This sequence change replaces alanine with threonine at codon 616 of the MAGEL2 protein (p.Ala616Thr). There is a small physicochemical difference between alanine and threonine.

NM_019066.5(MAGEL2):c.1846G>A (p.Ala616Thr)

Gene: MAGEL2 (MAGE family member L2; minus strand). Cytogenetic location: 15q11.2.
Variant type: single nucleotide variant.
Coding change: c.1846G>A on transcript NM_019066.5 (MANE Select); coding-DNA position 1846, G replaced by A.
Protein change: p.Ala616Thr; replaces alanine 616 with threonine.
Molecular consequence: missense variant.
Genome position (GRCh38, 1-based): chr15:23,645,897, C>T on the plus strand (G>A on the coding strand, the complement: MAGEL2 is on the minus strand). VCF-style: chr15-23645897-C-T. GRCh37 (hg19) VCF-style: chr15-23891044-C-T.
Other names: short protein forms A616T.
Identifiers: ClinVar variation 1008609 (VCV001008609.8), dbSNP rs1890390274, ClinGen allele CA391333205.